The following is an entry in ClinVar:

NM_021252.5(RAB18):c.259+5G>A

Gene: RAB18 (RAB18, member RAS oncogene family; plus strand). Cytogenetic location: 10p12.1.
Variant type: single nucleotide variant.
Coding change: c.259+5G>A on transcript NM_021252.5 (MANE Select); 5 bases into the intron after coding-DNA position 259, G replaced by A.
Molecular consequence: intron variant.
Genome position (GRCh38, 1-based): chr10:27,532,584, G>A. VCF-style: chr10-27532584-G-A. GRCh37 (hg19) VCF-style: chr10-27821513-G-A.
Other names: c.346+5G>A (NM_001256410.2); c.259+5G>A (NM_001256411.2); c.187-1344G>A (NM_001256412.2).
Identifiers: ClinVar variation 429446 (VCV000429446.2), dbSNP rs763723031, ClinGen allele CA5452325.

ClinVar aggregate classification (germline): Uncertain significance (1 of 4 stars; one submission).

Allele frequency attached by ClinVar (database versions not stated): gnomAD exomes below 0.00001; ExAC 0.00001; gnomAD 0.00002; TOPMed 0.00002.
gnomAD v4.1: 6 of 1,577,566 alleles (0.00038%); highest among the groups gnomAD compares: African/African-American, 0.004%; no homozygotes.

Submission:

GeneDx
Classification: Uncertain significance. Last evaluated: 2017-05-02. Review status: criteria provided, single submitter. Criteria: GeneDx Variant Classification (06012015). Collection method: clinical testing. Allele origin: germline. Affected: yes.
Comment: A variant of uncertain significance has been identified in the RAB18 gene. The c.259+5 G>A variant has not been published as a pathogenic variant, nor has it been reported as a benign variant to our knowledge. The c.259+5 G>A is not observed in large population cohorts (Lek et al., 2016; 1000 Genomes Consortium et al., 2015; Exome Variant Server). Several in-silico splice prediction models predict that c.259+5 G>A destroys the natural donor site for intron 4 and leads to abnormal gene splicing. However, in the absence of RNA/functional studies, the actual effect of this sequence change in this individual is unknown. Therefore, based on the currently available information, it is unclear whether this variant is a pathogenic variant or a rare benign variant.